The following is an entry in ClinVar:

ClinVar aggregate classification (germline): Uncertain significance (1 of 4 stars; one submission).

Conditions:
Infantile-onset X-linked spinal muscular atrophy. Also called: Spinal Muscular Atrophy, X-Linked Infantile; Spinal muscular atrophy, X-linked 2; SPINAL MUSCULAR ATROPHY, X-LINKED LETHAL INFANTILE; AMC, DISTAL, X-LINKED; ARTHROGRYPOSIS, X-LINKED, TYPE I. Identifiers: Orphanet 1145, MedGen C1844934, MONDO:0010532, OMIM 301830.

Allele frequency attached by ClinVar (database versions not stated): gnomAD exomes below 0.00001; TOPMed 0.00001; ExAC 0.00002.
gnomAD v4.1: 2 of 1,204,969 alleles (0.00017%); highest among the groups gnomAD compares: Admixed American, 0.0044%; no homozygotes.

Submission:

Labcorp Genetics (formerly Invitae), Labcorp
Classification: Uncertain significance for Infantile-onset X-linked spinal muscular atrophy. Last evaluated: 2022-09-07. Review status: criteria provided, single submitter. Criteria: Invitae Variant Classification Sherloc (09022015). Collection method: clinical testing. Allele origin: germline.
Comment: In summary, the available evidence is currently insufficient to determine the role of this variant in disease. Therefore, it has been classified as a Variant of Uncertain Significance. The frequency data for this variant in the population databases is considered unreliable, as metrics indicate poor data quality at this position in the gnomAD database. This variant has not been reported in the literature in individuals affected with UBA1-related conditions. ClinVar contains an entry for this variant (Variation ID: 935154). Algorithms developed to predict the effect of missense changes on protein structure and function (SIFT, PolyPhen-2, Align-GVGD) all suggest that this variant is likely to be tolerated. This sequence change replaces arginine, which is basic and polar, with histidine, which is basic and polar, at codon 558 of the UBA1 protein (p.Arg558His).

NM_003334.4(UBA1):c.1673G>A (p.Arg558His)

Gene: UBA1 (ubiquitin like modifier activating enzyme 1; plus strand). Cytogenetic location: Xp11.3.
Variant type: single nucleotide variant.
Coding change: c.1673G>A on transcript NM_003334.4 (MANE Select); coding-DNA position 1673, G replaced by A.
Protein change: p.Arg558His; replaces arginine 558 with histidine.
Molecular consequence: missense variant.
Genome position (GRCh38, 1-based): chrX:47,206,045, G>A. VCF-style: chrX-47206045-G-A. GRCh37 (hg19) VCF-style: chrX-47065444-G-A.
Other names: c.1673G>A, p.Arg558His (NM_153280.3); short protein forms R558H.
Identifiers: ClinVar variation 935154 (VCV000935154.9), dbSNP rs782746954, ClinGen allele CA10395978.
Genomic context (GRCh38, chrX:47,206,045, plus strand): 5'-AAATGAATCCACATATCCGGGTGACAAGCCACCAGAACCGTGTGGGTCCTGACACGGAGC[G>A]CATCTATGATGACGATTTTTTCCAAAACCTAGATGGCGTGGCCAATGCCCTGGACAACGT-3'
Protein context (NP_003325.2, residues 548-568): HQNRVGPDTE[Arg558His]IYDDDFFQNL